The following is an entry in ClinVar:

ClinVar aggregate classification (germline): Pathogenic. Review status: criteria provided, multiple submitters, no conflicts (2 of 4 stars). 7 submissions from 7 submitters: Pathogenic (5). 2 of the submissions do not count toward it. Last evaluated 2026-01-24.

Conditions:
EIF2B5-related disorders.
Leukoencephalopathy with vanishing white matter 5 (VWM5). Also called: Leukoencephalopathy with vanishing white matter 5, with or without ovarian failure; EIF2B5-Related Childhood Ataxia with Central Nervous System Hypomyelination/Vanishing White Matter. Identifiers: MedGen C5779973, MONDO:0957873, OMIM 620315.
Leukoencephalopathy with vanishing white matter 1 (VWM1). Also called: Cree leukoencephalopathy; CHILDHOOD ATAXIA WITH CENTRAL NERVOUS SYSTEM HYPOMYELINIZATION; Vanishing white matter leukodystrophy; EIF2B1-Related Childhood Ataxia with Central Nervous System Hypomyelination/Vanishing White Matter. Identifiers: Orphanet 99854, MedGen C5779972, MONDO:0020507, OMIM 603896.
Vanishing white matter disease. Also called: Childhood ataxia with diffuse central nervous system hypomyelination; Leukoencephalopathy with vanishing white matter; CACH/VWM syndrome; Cree leukoencehalopathy; CACH syndrome. Identifiers: Orphanet 135, Orphanet 99853, MedGen C1858991, MONDO:0800448.

Allele frequency attached by ClinVar (database versions not stated): gnomAD 0.00001; TOPMed 0.00001; gnomAD exomes 0.00002; ExAC 0.00002; 1000 Genomes Project 30x 0.00016; 1000 Genomes Project 0.00020.

Submissions (7):

Labcorp Genetics (formerly Invitae), Labcorp
Classification: Pathogenic. Last evaluated: 2026-01-24. Review status: criteria provided, single submitter. Criteria: Invitae Variant Classification Sherloc (09022015). Collection method: clinical testing. Allele origin: germline.
Comment: This sequence change replaces arginine, which is basic and polar, with histidine, which is basic and polar, at codon 195 of the EIF2B5 protein (p.Arg195His). This variant is present in population databases (rs113994054, gnomAD 0.008%). This missense change has been observed in individuals with EIF2B5-related conditions (PMID: 12325082, 15136673). It has also been observed to segregate with disease in related individuals. ClinVar contains an entry for this variant (Variation ID: 5946). Invitae Evidence Modeling of protein sequence and biophysical properties (such as structural, functional, and spatial information, amino acid conservation, physicochemical variation, residue mobility, and thermodynamic stability) indicates that this missense variant is expected to disrupt EIF2B5 protein function with a positive predictive value of 80%. Experimental studies have shown that this missense change affects EIF2B5 function (PMID: 19023445). For these reasons, this variant has been classified as Pathogenic.

Women's Health and Genetics/Laboratory Corporation of America, LabCorp
Classification: Pathogenic for Vanishing white matter disease. Last evaluated: 2025-04-18. Review status: criteria provided, single submitter. Criteria: LabCorp Variant Classification Summary - May 2015. Collection method: clinical testing. Allele origin: germline.
Comment: Variant summary: EIF2B5 c.584G>A (p.Arg195His) results in a non-conservative amino acid change in the encoded protein sequence. Five of five in-silico tools predict a damaging effect of the variant on protein function. The variant allele was found at a frequency of 2e-05 in 251394 control chromosomes. c.584G>A has been observed in multiple homozygous and compound heterozygous individuals affected with Leukoencephalopathy With Vanishing White Matter (e.g., Fogli_2002, Fogli_2004). The following publications have been ascertained in the context of this evaluation (PMID: 12325082, 15054402). ClinVar contains an entry for this variant (Variation ID: 5946). Based on the evidence outlined above, the variant was classified as pathogenic.

Blueprint Genetics
Classification: Pathogenic for EIF2B5-related disorders. Last evaluated: 2024-11-15. Review status: criteria provided, single submitter. Criteria: ACMG Guidelines, 2015. Collection method: clinical testing. Allele origin: germline. Affected: yes. Observed: 5 variant alleles.

Natera, Inc.
Classification: Pathogenic for Leukoencephalopathy with vanishing white matter. Last evaluated: 2024-07-09. Review status: criteria provided, single submitter. Criteria: Natera Variant Classification Schema (03/2026). Collection method: clinical testing. Allele origin: germline.
Comment: The c.584G>A variant in EIF2B5 is a missense variant predicted to cause substitution of arginine to histidine at amino acid 195. This variant is rare in the general population with a frequency below the threshold expected for the associated phenotype(s). This variant has been observed in one or more individuals affected with the associated recessive disease, as either homozygous or compound heterozygous with a second variant (PMID: 12325082, 15136673). Additionally, this variant has been observed to segregate in affected family members (PMID: 12325082, 15136673). Functional studies show that this variant may disrupt protein function (PMID: 26974157, 29375313). A different variant at the same position has been determined to be Pathogenic or Likely Pathogenic. Computational prediction algorithms indicate this variant is likely to affect gene or protein function. Given the available evidence, this variant is classified as Pathogenic.

Neuberg Centre For Genomic Medicine, NCGM
Classification: Pathogenic for Leukoencephalopathy with vanishing white matter 1. Review status: criteria provided, single submitter. Criteria: ACMG Guidelines, 2015. Collection method: clinical testing. Allele origin: germline. Inheritance: Autosomal recessive inheritance. Affected: yes.
Comment: Experimental studies have shown that this missense change affects EIF2B5 function (PMID: 19023445).

OMIM
Classification: Pathogenic for LEUKOENCEPHALOPATHY WITH VANISHING WHITE MATTER 5. Last evaluated: 2002-10-01. Review status: no assertion criteria provided. Collection method: literature only. Allele origin: germline. Not counted in ClinVar's aggregate classification.

GeneReviews
No classification provided. Condition: Vanishing white matter disease. Review status: no classification provided. Collection method: literature only. Allele origin: germline. Not counted in ClinVar's aggregate classification.
Comment: Cree founder variant, associated w/severe disease

Literature cited by the submitters: PubMed 12325082 (cited by 5 submitters); PubMed 15136673 (cited by Labcorp Genetics (formerly Invitae), Labcorp and Natera, Inc.); PubMed 19023445 (cited by Labcorp Genetics (formerly Invitae), Labcorp); PubMed 15054402 (cited by Women's Health and Genetics/Laboratory Corporation of America, LabCorp); PubMed 26974157 (cited by Natera, Inc.); PubMed 29375313 (cited by Natera, Inc.); PubMed 20301435 (cited by GeneReviews).

NM_003907.3(EIF2B5):c.584G>A (p.Arg195His)

Gene: EIF2B5 (eukaryotic translation initiation factor 2B subunit epsilon; plus strand). Cytogenetic location: 3q27.1.
Variant type: single nucleotide variant.
Coding change: c.584G>A on transcript NM_003907.3 (MANE Select); coding-DNA position 584, G replaced by A.
Protein change: p.Arg195His; replaces arginine 195 with histidine.
Molecular consequence: missense variant.
Genome position (GRCh38, 1-based): chr3:184,137,975, G>A. VCF-style: chr3-184137975-G-A. GRCh37 (hg19) VCF-style: chr3-183855763-G-A.
Other names: short protein forms R195H.
Identifiers: ClinVar variation 5946 (VCV000005946.19), dbSNP rs113994054, ClinGen allele CA340476.